The following is an entry in ClinVar:

ClinVar aggregate classification (germline): Uncertain significance (1 of 4 stars; one submission).

Submission:

Labcorp Genetics (formerly Invitae), Labcorp
Classification: Uncertain significance. Last evaluated: 2025-02-04. Review status: criteria provided, single submitter. Criteria: Invitae Variant Classification Sherloc (09022015). Collection method: clinical testing. Allele origin: germline.
Comment: This sequence change replaces serine, which is neutral and polar, with glycine, which is neutral and non-polar, at codon 52 of the JAK1 protein (p.Ser52Gly). This variant is not present in population databases (gnomAD no frequency). This variant has not been reported in the literature in individuals affected with JAK1-related conditions. Invitae Evidence Modeling of protein sequence and biophysical properties (such as structural, functional, and spatial information, amino acid conservation, physicochemical variation, residue mobility, and thermodynamic stability) indicates that this missense variant is not expected to disrupt JAK1 protein function with a negative predictive value of 80%. In summary, the available evidence is currently insufficient to determine the role of this variant in disease. Therefore, it has been classified as a Variant of Uncertain Significance.

NM_002227.4(JAK1):c.154A>G (p.Ser52Gly)

Genes: JAK1 (Janus kinase 1; minus strand), LOC129930680 (ATAC-STARR-seq lymphoblastoid active region 1132; plus strand). Cytogenetic location: 1p31.3.
Variant type: single nucleotide variant.
Coding change: c.154A>G on transcript NM_002227.4 (MANE Select); coding-DNA position 154, A replaced by G.
Protein change: p.Ser52Gly; replaces serine 52 with glycine.
Molecular consequence: missense variant.
Genome position (GRCh38, 1-based): chr1:64,883,328, T>C on the plus strand (A>G on the coding strand, the complement: JAK1 is on the minus strand). VCF-style: chr1-64883328-T-C. GRCh37 (hg19) VCF-style: chr1-65349011-T-C.
Other names: c.154A>G, p.Ser52Gly (NM_001320923.2, NM_001321852.2, NM_001321853.2 and 4 more transcripts); short protein forms S52G.
Identifiers: ClinVar variation 4731747 (VCV004731747.1).